The following is an entry in ClinVar:

ClinVar aggregate classification (germline): Uncertain significance (1 of 4 stars; one submission).

Conditions:
Autosomal recessive Alport syndrome (ATS2). Also called: ALPORT SYNDROME 2, AUTOSOMAL RECESSIVE; COL4A3-Related Nephropathy; COL4A4 Alport Syndrome and Thin Basement Membrane Nephropathy; Alport syndrome type 2. Identifiers: Orphanet 63, Orphanet 88919, MedGen C4746745, MONDO:0008762, OMIM 203780.

gnomAD v4.1: 2 of 1,610,428 alleles (0.00012%); highest among the groups gnomAD compares: Non-Finnish European, 0.00017%; no homozygotes.

Submission:

MVZ Medizinische Genetik Mainz
Classification: Uncertain significance for Autosomal recessive Alport syndrome. Last evaluated: 2024-05-08. Review status: criteria provided, single submitter. Criteria: UK Practice Guidelines For Variant Classification V4 01 2020. Collection method: clinical testing. Allele origin: germline. Inheritance: Autosomal dominant inheritance. Affected: yes. Observed: 1 variant allele.
Comment: ACMG Criteria: PM2_SUP,PP3,PP4

NM_000092.5(COL4A4):c.3289+3A>G

Gene: COL4A4 (collagen type IV alpha 4 chain; minus strand). Cytogenetic location: 2q36.3.
Variant type: single nucleotide variant.
Coding change: c.3289+3A>G on transcript NM_000092.5 (MANE Select); 3 bases into the intron after coding-DNA position 3289, A replaced by G.
Molecular consequence: intron variant.
Genome position (GRCh38, 1-based): chr2:227,047,472, T>C on the plus strand (A>G on the coding strand, the complement: COL4A4 is on the minus strand). VCF-style: chr2-227047472-T-C. GRCh37 (hg19) VCF-style: chr2-227912188-T-C.
Identifiers: ClinVar variation 3256633 (VCV003256633.1).